The following is an entry in ClinVar:

ClinVar aggregate classification (germline): Uncertain significance (1 of 4 stars; one submission).

Allele frequency attached by ClinVar (database versions not stated): gnomAD 0.00001.
gnomAD v4.1: 1 of 1,605,952 alleles (0.000062%); highest among the groups gnomAD compares: Non-Finnish European, 0.000085%; no homozygotes.

Submission:

Labcorp Genetics (formerly Invitae), Labcorp
Classification: Uncertain significance. Last evaluated: 2022-08-16. Review status: criteria provided, single submitter. Criteria: Invitae Variant Classification Sherloc (09022015). Collection method: clinical testing. Allele origin: germline.
Comment: This variant has not been reported in the literature in individuals affected with DOCK6-related conditions. Algorithms developed to predict the effect of missense changes on protein structure and function (SIFT, PolyPhen-2, Align-GVGD) all suggest that this variant is likely to be tolerated. This variant is not present in population databases (gnomAD no frequency). This sequence change replaces proline, which is neutral and non-polar, with leucine, which is neutral and non-polar, at codon 228 of the DOCK6 protein (p.Pro228Leu). In summary, the available evidence is currently insufficient to determine the role of this variant in disease. Therefore, it has been classified as a Variant of Uncertain Significance.

NM_020812.4(DOCK6):c.683C>T (p.Pro228Leu)

Gene: DOCK6 (dedicator of cytokinesis 6; minus strand). Cytogenetic location: 19p13.2.
Variant type: single nucleotide variant.
Coding change: c.683C>T on transcript NM_020812.4 (MANE Select); coding-DNA position 683, C replaced by T.
Protein change: p.Pro228Leu; replaces proline 228 with leucine.
Molecular consequence: missense variant.
Genome position (GRCh38, 1-based): chr19:11,250,911, G>A on the plus strand (C>T on the coding strand, the complement: DOCK6 is on the minus strand). VCF-style: chr19-11250911-G-A. GRCh37 (hg19) VCF-style: chr19-11361587-G-A.
Other names: c.683C>T, p.Pro228Leu (NM_001367830.1); short protein forms P228L.
Identifiers: ClinVar variation 2086249 (VCV002086249.4), dbSNP rs2080107115, ClinGen allele CA404115504.